The following is an entry in ClinVar:

ClinVar aggregate classification (germline): Uncertain significance (1 of 4 stars; one submission).

Conditions:
Inborn genetic diseases. Identifiers: MedGen C0950123, MeSH D030342.

Submission:

Ambry Genetics
Classification: Uncertain significance for Inborn genetic diseases. Last evaluated: 2025-07-28. Review status: criteria provided, single submitter. Criteria: Ambry Variant Classification Scheme 2023. Collection method: clinical testing. Allele origin: germline.
Comment: The p.K246E variant (also known as c.736A>G), located in coding exon 5 of the KDM1A gene, results from an A to G substitution at nucleotide position 736. The lysine at codon 246 is replaced by glutamic acid, an amino acid with similar properties. This amino acid position is conserved. In addition, the in silico prediction for this alteration is inconclusive. Based on the available evidence, the clinical significance of this variant remains unclear.

NM_001009999.3(KDM1A):c.736A>G (p.Lys246Glu)

Gene: KDM1A (lysine demethylase 1A; plus strand). Cytogenetic location: 1p36.12.
Variant type: single nucleotide variant.
Coding change: c.736A>G on transcript NM_001009999.3 (MANE Select); coding-DNA position 736, A replaced by G.
Protein change: p.Lys246Glu; replaces lysine 246 with glutamic acid.
Molecular consequence: missense variant.
Genome position (GRCh38, 1-based): chr1:23,053,785, A>G. VCF-style: chr1-23053785-A-G. GRCh37 (hg19) VCF-style: chr1-23380278-A-G.
Other names: c.676A>G, p.Lys226Glu (NM_001363654.2, NM_001410763.1, NM_015013.4); c.736A>G, p.Lys246Glu (NM_001410762.1); short protein forms K226E, K246E.
Identifiers: ClinVar variation 4091073 (VCV004091073.1).
Genomic context (GRCh38, chr1:23,053,785, plus strand): 5'-TTTGTATGTAATACAATTTATGTCATTTAAATGCAGCTGCAGTTGTGGTTGGATAATCCA[A>G]AGATTCAGCTGACATTTGAGGCTACTCTCCAACAATTAGAAGCACCTTATAACAGTAAGT-3'
Protein context (NP_001009999.1, residues 236-256): RTLQLWLDNP[Lys246Glu]IQLTFEATLQ